The following is an entry in ClinVar:

NM_005476.7(GNE):c.1892C>T (p.Ala631Val)

Gene: GNE (glucosamine (UDP-N-acetyl)-2-epimerase/N-acetylmannosamine kinase; minus strand). Cytogenetic location: 9p13.3.
Variant type: single nucleotide variant.
Coding change: c.1892C>T on transcript NM_005476.7 (MANE Select); coding-DNA position 1892, C replaced by T.
Protein change: p.Ala631Val; replaces alanine 631 with valine.
Molecular consequence: missense variant.
Genome position (GRCh38, 1-based): chr9:36,218,224, G>A on the plus strand (C>T on the coding strand, the complement: GNE is on the minus strand). VCF-style: chr9-36218224-G-A. GRCh37 (hg19) VCF-style: chr9-36218221-G-A.
Other names: c.1985C>T, p.Ala662Val (NM_001128227.3); c.1670C>T, p.Ala557Val (NM_001190383.3); c.1562C>T, p.Ala521Val (NM_001190384.3); c.1715C>T, p.Ala572Val (NM_001190388.2, NM_001374798.1); c.1739C>T, p.Ala580Val (NM_001374797.1); short protein forms A631V, A662V, A521V, A557V, A572V, A580V.
Identifiers: ClinVar variation 6035 (VCV000006035.87), dbSNP rs62541771, ClinGen allele CA253717.

ClinVar aggregate classification (germline): Pathogenic. Review status: criteria provided, multiple submitters, no conflicts (2 of 4 stars). 26 submissions from 22 submitters: Pathogenic (24). 2 of the submissions do not count toward it. Last evaluated 2026-07-24.

Conditions:
GNE myopathy (NM). Also called: MYOPATHY, DISTAL, WITH OR WITHOUT RIMMED VACUOLES; IBM 2; Inclusion body myopathy autosomal recessive; Inclusion body myopathy quadriceps sparing; INCLUSION BODY MYOPATHY, HEREDITARY, AUTOSOMAL RECESSIVE; INCLUSION BODY MYOPATHY 2, AUTOSOMAL RECESSIVE. Identifiers: Orphanet 602, MedGen C1853926, MONDO:0011603, OMIM 605820.
Thrombocytopenia 12 with or without myopathy (THC12). Identifiers: MedGen C5935593, MONDO:0958325, OMIM 620757.
Sialuria. Also called: SIALURIA, FRENCH TYPE; Sialic Acid Storage Disease. Identifiers: Orphanet 3166, MedGen C0342853, MONDO:0010028, OMIM 269921.
GNE-related disorder. Also called: GNE-related condition.
GNE-related disorders.
Bleeding and platelet disorders.
Hereditary nonpolyposis colon cancer (HNPCC). Also called: Hereditary Nonpolyposis Colorectal Cancer Syndrome; Hereditary nonpolyposis colorectal cancer; Familial nonpolyposis colon cancer. Identifiers: Orphanet 443909, MedGen C1333990, MONDO:0018630. Disease mechanism: loss of function.

Allele frequency attached by ClinVar (database versions not stated): gnomAD 0.00009 and 0.00011; gnomAD exomes 0.00009 and 0.00023; TOPMed 0.00014; ExAC 0.00008.
gnomAD v4.1: 346 of 1,613,808 alleles (0.021%); highest among the groups gnomAD compares: Non-Finnish European, 0.028%; no homozygotes.

Submissions 1 to 14 of 26:

North West Genomic Laboratory Hub, Manchester University NHS Foundation Trust
Classification: Pathogenic for Bleeding and platelet disorders. Last evaluated: 2026-07-24. Review status: criteria provided, single submitter. Criteria: ACGS Best Practice Guidelines for Variant Classification in Rare Disease 2024. Collection method: clinical testing. Allele origin: germline. Affected: yes.
Comment: PS3_Supp PP3_Supp PM2_Mod PM3_VStr

Labcorp Genetics (formerly Invitae), Labcorp
Classification: Pathogenic for Sialuria; GNE myopathy. Last evaluated: 2026-01-31. Review status: criteria provided, single submitter. Criteria: Invitae Variant Classification Sherloc (09022015). Collection method: clinical testing. Allele origin: germline.
Comment: This sequence change replaces alanine, which is neutral and non-polar, with valine, which is neutral and non-polar, at codon 662 of the GNE protein (p.Ala662Val). This variant is present in population databases (rs62541771, gnomAD 0.02%). This missense change has been observed in individuals with GNE myopathy (PMID: 24796702). It is commonly reported in individuals of British and Chinese ancestry (PMID: 22196754, 24695763). This variant is also known as p.Ala631Val. ClinVar contains an entry for this variant (Variation ID: 6035). Invitae Evidence Modeling of protein sequence and biophysical properties (such as structural, functional, and spatial information, amino acid conservation, physicochemical variation, residue mobility, and thermodynamic stability) has been performed for this missense variant. However, the output from this modeling did not meet the statistical confidence thresholds required to predict the impact of this variant on GNE protein function. Experimental studies have shown that this missense change affects GNE function (PMID: 14707127, 15987957, 16503651). For these reasons, this variant has been classified as Pathogenic.

PreventionGenetics, part of Exact Sciences
Classification: Pathogenic for GNE-related condition. Last evaluated: 2025-10-20. Review status: criteria provided, single submitter. Criteria: ACMG Guidelines, 2015. Collection method: clinical testing. Allele origin: germline.
Comment: The GNE c.1985C>T variant is predicted to result in the amino acid substitution p.Ala662Val. This variant is also known as c.1892C>T, p.Ala631Val on an alternative transcript NM_005476.5. This variant has been reported in the compound heterozygous and homozygous states in many unrelated individuals to be causative for GNE myopathy (reported as p.Ala631Val in Tomimitsu et al. 2004. PubMed ID: 15136692; Chaouch et al. 2014. PubMed ID: 24695763; Mori-Yoshimura et al. 2012. PubMed ID: 22507750). Enzymatic functional assays also support the pathogenicity of this variant (Sparks et al. 2005. PubMed ID: 15987957; Noguchi et al. 2004. PubMed ID: 14707127). This variant is reported in 0.018% of alleles in individuals of European (Non-Finnish) descent in gnomAD. This variant is interpreted as pathogenic for autosomal recessive GNE myopathy.

GeneDx
Classification: Pathogenic. Last evaluated: 2025-10-01. Review status: criteria provided, single submitter. Criteria: GeneDx Variant Classification Process June 2021. Collection method: clinical testing. Allele origin: germline. Affected: yes.
Comment: Missense variants in this gene are a common cause of disease and they are underrepresented in the general population; In silico analysis suggests that this missense variant does not alter protein structure/function; This variant is associated with the following publications: (PMID: 34676965, 19917666, 15987957, 22507750, 31127727, 35138478, 26968811, 38674419, 37510394, 14707127, 16503651, 24695763, 12177386, 39332896, 38544359, 37647632, 24796702, 40885989)

Natera, Inc.
Classification: Pathogenic for Nonaka myopathy. Last evaluated: 2025-06-16. Review status: criteria provided, single submitter. Criteria: Natera Variant Classification Schema (03/2026). Collection method: clinical testing. Allele origin: germline.
Comment: The c.1985C>T variant in GNE is a missense variant predicted to cause substitution of alanine to valine at amino acid 662. This variant is rare in the general population with a frequency below the threshold expected for the associated phenotype(s). This variant has been observed in one or more individuals affected with the associated recessive disease, as either homozygous or compound heterozygous with a second variant (PMID: 24695763). Given the available evidence, this variant is classified as Pathogenic.

Blueprint Genetics
Classification: Pathogenic for GNE-related disorders. Last evaluated: 2024-11-20. Review status: criteria provided, single submitter. Criteria: ACMG Guidelines, 2015. Collection method: clinical testing. Allele origin: germline. Affected: yes. Observed: 5 variant alleles.

Fulgent Genetics
Classification: Pathogenic for Sialuria; GNE myopathy; Thrombocytopenia 12 with or without myopathy. Last evaluated: 2024-06-04. Review status: criteria provided, single submitter. Criteria: ACMG Guidelines, 2015. Collection method: clinical testing. Allele origin: germline.

Baylor Genetics
Classification: Pathogenic for GNE myopathy. Last evaluated: 2024-03-28. Review status: criteria provided, single submitter. Criteria: ACMG Guidelines, 2015. Collection method: clinical testing. Allele origin: unknown.

Women's Health and Genetics/Laboratory Corporation of America, LabCorp
Classification: Pathogenic for Hereditary nonpolyposis colon cancer. Last evaluated: 2024-03-12. Review status: criteria provided, single submitter. Criteria: LabCorp Variant Classification Summary - May 2015. Collection method: clinical testing. Allele origin: germline.

Women's Health and Genetics/Laboratory Corporation of America, LabCorp
Classification: Pathogenic for GNE myopathy. Last evaluated: 2024-03-12. Review status: criteria provided, single submitter. Criteria: LabCorp Variant Classification Summary - May 2015. Collection method: clinical testing. Allele origin: germline.
Comment: Variant summary: GNE c.1985C>T (p.Ala662Val), also referred to as c.1892C>T (p.Ala631Val), results in a non-conservative amino acid change in the encoded protein sequence. Five of five in-silico tools predict a damaging effect of the variant on protein function. The variant allele was found at a frequency of 8.7e-05 in 251482 control chromosomes. This frequency is not significantly higher than estimated for a pathogenic variant in GNE causing Inclusion Body Myopathy 2 (8.7e-05 vs 0.0011), allowing no conclusion about variant significance. c.1985C>T has been reported in the literature in multiple compound heterozygous and homozygous individuals affected with Inclusion Body Myopathy 2 (e.g. Chaouch_2014). These data indicate that the variant is very likely to be associated with disease. At least two publications report experimental evidence evaluating an impact on protein function (eg. Noguchi_2004, Sparks_2005). The most pronounced variant effect results in 10%-<30% of normal UDP-GlcNAc 2-epimerase and ManNAc kinase activities. The following publications have been ascertained in the context of this evaluation (PMID: 14707127, 15987957, 24695763). ClinVar contains an entry for this variant (Variation ID: 6035). Based on the evidence outlined above, the variant was classified as pathogenic.

Laboratory of Medical Genetics, National & Kapodistrian University of Athens
Classification: Pathogenic for Thrombocytopenia 12 with or without myopathy. Last evaluated: 2024-02-01. Review status: criteria provided, single submitter. Criteria: ACMG Guidelines, 2015. Collection method: curation. Allele origin: germline. Affected: no.

Mayo Clinic Laboratories, Mayo Clinic
Classification: Pathogenic. Last evaluated: 2023-04-18. Review status: criteria provided, single submitter. Criteria: ACMG Guidelines, 2015. Collection method: clinical testing. Allele origin: germline. Observed: 1 variant allele.
Comment: PP3, PM2, PM3_strong, PS3, PS4

Laboratory of Medical Genetics, National & Kapodistrian University of Athens
Classification: Pathogenic for GNE myopathy. Last evaluated: 2022-07-14. Review status: criteria provided, single submitter. Criteria: ACMG Guidelines, 2015. Collection method: clinical testing. Allele origin: germline. Affected: yes.
Comment: PM1, PM2, PM5, PP2, PP3, PP5

Revvity Omics, Revvity
Classification: Pathogenic. Last evaluated: 2022-06-24. Review status: criteria provided, single submitter. Criteria: ACMG Guidelines, 2015. Collection method: clinical testing. Allele origin: germline.